The following is an entry in ClinVar:

ClinVar aggregate classification (germline): Uncertain significance (1 of 4 stars; one submission).

Conditions:
Cardiovascular phenotype. Identifiers: MedGen CN230736.

Allele frequency attached by ClinVar (database versions not stated): gnomAD exomes below 0.00001.
gnomAD v4.1: 1 of 1,611,756 alleles (0.000062%); highest among the groups gnomAD compares: African/African-American, 0.0013%; no homozygotes.

Submission:

Ambry Genetics
Classification: Uncertain significance for Cardiovascular phenotype. Last evaluated: 2023-04-28. Review status: criteria provided, single submitter. Criteria: Ambry Variant Classification Scheme 2023. Collection method: clinical testing. Allele origin: germline.
Comment: The p.C409Y variant (also known as c.1226G>A), located in coding exon 11 of the PRDM5 gene, results from a G to A substitution at nucleotide position 1226. The cysteine at codon 409 is replaced by tyrosine, an amino acid with highly dissimilar properties. This amino acid position is conserved. In addition, this alteration is predicted to be deleterious by in silico analysis. Since supporting evidence is limited at this time, the clinical significance of this alteration remains unclear.

NM_018699.4(PRDM5):c.1226G>A (p.Cys409Tyr)

Gene: PRDM5 (PR/SET domain 5; minus strand). Cytogenetic location: 4q27.
Variant type: single nucleotide variant.
Coding change: c.1226G>A on transcript NM_018699.4 (MANE Select); coding-DNA position 1226, G replaced by A.
Protein change: p.Cys409Tyr; replaces cysteine 409 with tyrosine.
Molecular consequence: missense variant.
Genome position (GRCh38, 1-based): chr4:120,785,054, C>T on the plus strand (G>A on the coding strand, the complement: PRDM5 is on the minus strand). VCF-style: chr4-120785054-C-T. GRCh37 (hg19) VCF-style: chr4-121706209-C-T.
Other names: c.1133G>A, p.Cys378Tyr (NM_001300823.2, NM_001300824.2, NM_001379106.1); c.1259G>A, p.Cys420Tyr (NM_001379104.1); short protein forms C420Y, C378Y, C409Y.
Identifiers: ClinVar variation 2565115 (VCV002565115.2), dbSNP rs2477238692, ClinGen allele CA358209416.